The following is an entry in ClinVar:

NM_001012301.4(ARSI):c.92G>C (p.Gly31Ala)

Gene: ARSI (arylsulfatase family member I; minus strand). Cytogenetic location: 5q32.
Variant type: single nucleotide variant.
Coding change: c.92G>C on transcript NM_001012301.4 (MANE Select); coding-DNA position 92, G replaced by C.
Protein change: p.Gly31Ala; replaces glycine 31 with alanine.
Molecular consequence: missense variant.
Genome position (GRCh38, 1-based): chr5:150,302,282, C>G on the plus strand (G>C on the coding strand, the complement: ARSI is on the minus strand). VCF-style: chr5-150302282-C-G. GRCh37 (hg19) VCF-style: chr5-149681845-C-G.
Other names: short protein forms G31A.
Identifiers: ClinVar variation 4778293 (VCV004778293.1).

ClinVar aggregate classification (germline): Uncertain significance (1 of 4 stars; one submission).

Conditions:
Spastic paraplegia. Identifiers: MedGen C0037772, HP:0001258.

Submission:

Labcorp Genetics (formerly Invitae), Labcorp
Classification: Uncertain significance for Spastic paraplegia. Last evaluated: 2025-09-04. Review status: criteria provided, single submitter. Criteria: Invitae Variant Classification Sherloc (09022015). Collection method: clinical testing. Allele origin: germline.
Comment: This sequence change replaces glycine, which is neutral and non-polar, with alanine, which is neutral and non-polar, at codon 31 of the ARSI protein (p.Gly31Ala). This variant is present in population databases (rs747192346, gnomAD 0.002%). This variant has not been reported in the literature in individuals affected with ARSI-related conditions. An algorithm developed to predict the effect of missense changes on protein structure and function outputs the following: PolyPhen-2: "Benign". The alanine amino acid residue is found in multiple mammalian species, which suggests that this missense change does not adversely affect protein function. In summary, the available evidence is currently insufficient to determine the role of this variant in disease. Therefore, it has been classified as a Variant of Uncertain Significance.